The following is an entry in ClinVar:

ClinVar aggregate classification (germline): Uncertain significance (1 of 4 stars; one submission).

Conditions:
Hereditary cancer-predisposing syndrome. Also called: Neoplastic Syndromes, Hereditary; Hereditary neoplastic syndrome; Tumor predisposition; Hereditary Cancer Syndrome. Identifiers: Orphanet 140162, MedGen C0027672, MeSH D009386, MONDO:0015356.

Submission:

Labcorp Genetics (formerly Invitae), Labcorp
Classification: Uncertain significance for Hereditary cancer-predisposing syndrome. Last evaluated: 2022-12-29. Review status: criteria provided, single submitter. Criteria: Invitae Variant Classification Sherloc (09022015). Collection method: clinical testing. Allele origin: germline.
Comment: In summary, the available evidence is currently insufficient to determine the role of this variant in disease. Therefore, it has been classified as a Variant of Uncertain Significance. This sequence change replaces aspartic acid, which is acidic and polar, with glutamic acid, which is acidic and polar, at codon 1168 of the RAD50 protein (p.Asp1168Glu). This variant is not present in population databases (gnomAD no frequency). This variant has not been reported in the literature in individuals affected with RAD50-related conditions. Advanced modeling of protein sequence and biophysical properties (such as structural, functional, and spatial information, amino acid conservation, physicochemical variation, residue mobility, and thermodynamic stability) performed at Invitae indicates that this missense variant is not expected to disrupt RAD50 protein function.

NM_005732.4(RAD50):c.3504T>G (p.Asp1168Glu)

Genes: TH2-LCR (Th2 cytokine locus control region; plus strand), TH2LCRR (T helper type 2 locus control region associated RNA; minus strand), RAD50 (RAD50 double strand break repair protein; plus strand). Cytogenetic location: 5q31.1.
Variant type: single nucleotide variant.
Coding change: c.3504T>G on transcript NM_005732.4 (MANE Select); coding-DNA position 3504, T replaced by G.
Protein change: p.Asp1168Glu; replaces aspartic acid 1168 with glutamic acid.
Molecular consequence: missense variant. On other transcripts: non-coding transcript variant (2).
Genome position (GRCh38, 1-based): chr5:132,638,109, T>G. VCF-style: chr5-132638109-T-G. GRCh37 (hg19) VCF-style: chr5-131973801-T-G.
Other names: short protein forms D1168E.
Identifiers: ClinVar variation 2824850 (VCV002824850.3), dbSNP rs2479427548, ClinGen allele CA360931229.